The following is an entry in ClinVar:

ClinVar aggregate classification (germline): Benign (1 of 4 stars; one submission).

Allele frequency attached by ClinVar (database versions not stated): 1000 Genomes Project 30x 0.81012; gnomAD 0.75913 and 0.76666; 1000 Genomes Project 0.81749; TOPMed 0.77223.
gnomAD v4.1: 870,597 of 1,089,978 alleles (80%); highest among the groups gnomAD compares: East Asian, 97%; 349,431 homozygotes.

Submission:

GeneDx
Classification: Benign. Last evaluated: 2018-06-14. Review status: criteria provided, single submitter. Criteria: GeneDx Variant Classification (06012015). Collection method: clinical testing. Allele origin: germline. Affected: yes.
Comment: This variant is considered likely benign or benign based on one or more of the following criteria: it is a conservative change, it occurs at a poorly conserved position in the protein, it is predicted to be benign by multiple in silico algorithms, and/or has population frequency not consistent with disease.

NM_206926.2(SELENON):c.908+141A>C

Gene: SELENON (selenoprotein N; plus strand). Cytogenetic location: 1p36.11.
Variant type: single nucleotide variant.
Coding change: c.908+141A>C on transcript NM_206926.2 (MANE Select); 141 bases into the intron after coding-DNA position 908, A replaced by C.
Molecular consequence: intron variant.
Genome position (GRCh38, 1-based): chr1:25,809,961, A>C. VCF-style: chr1-25809961-A-C. GRCh37 (hg19) VCF-style: chr1-26136452-A-C.
Other names: c.1010+141A>C (NM_020451.3).
Identifiers: ClinVar variation 669830 (VCV000669830.1), dbSNP rs6686366, ClinGen allele CA10802535.